The following is an entry in ClinVar:

NM_001005361.3(DNM2):c.2257G>T (p.Asp753Tyr)

Gene: DNM2 (dynamin 2; plus strand). Cytogenetic location: 19p13.2.
Variant type: single nucleotide variant.
Coding change: c.2257G>T on transcript NM_001005361.3 (MANE Select); coding-DNA position 2257, G replaced by T.
Protein change: p.Asp753Tyr; replaces aspartic acid 753 with tyrosine.
Molecular consequence: missense variant.
Genome position (GRCh38, 1-based): chr19:10,829,234, G>T. VCF-style: chr19-10829234-G-T. GRCh37 (hg19) VCF-style: chr19-10939910-G-T.
Other names: c.2257G>T, p.Asp753Tyr (NM_001005360.3, NM_001190716.2); c.2245G>T, p.Asp749Tyr (NM_001005362.3, NM_004945.4); short protein forms D753Y, D749Y.
Identifiers: ClinVar variation 1437573 (VCV001437573.6), dbSNP rs368325934, ClinGen allele CA404043177.

ClinVar aggregate classification (germline): Uncertain significance (1 of 4 stars; one submission).

Conditions:
Charcot-Marie-Tooth disease dominant intermediate B (CMTDIB). Also called: Charcot-Marie-Tooth disease dominant intermediate 1; CMT DI1; Charcot-Marie-Tooth disease dominant intermediate I; CHARCOT-MARIE-TOOTH NEUROPATHY, DOMINANT INTERMEDIATE B. Identifiers: Orphanet 100044, Orphanet 228179, MedGen C1847902, MONDO:0011674, OMIM 606482.

gnomAD v4.1: 2 of 1,613,838 alleles (0.00012%); highest among the groups gnomAD compares: Admixed American, 0.0017%; no homozygotes.

Submission:

Labcorp Genetics (formerly Invitae), Labcorp
Classification: Uncertain significance for Charcot-Marie-Tooth disease dominant intermediate B. Last evaluated: 2025-03-27. Review status: criteria provided, single submitter. Criteria: Invitae Variant Classification Sherloc (09022015). Collection method: clinical testing. Allele origin: germline.
Comment: This sequence change replaces aspartic acid, which is acidic and polar, with tyrosine, which is neutral and polar, at codon 753 of the DNM2 protein (p.Asp753Tyr). This variant is not present in population databases (gnomAD no frequency). This variant has not been reported in the literature in individuals affected with DNM2-related conditions. ClinVar contains an entry for this variant (Variation ID: 1437573). Invitae Evidence Modeling of protein sequence and biophysical properties (such as structural, functional, and spatial information, amino acid conservation, physicochemical variation, residue mobility, and thermodynamic stability) has been performed for this missense variant. However, the output from this modeling did not meet the statistical confidence thresholds required to predict the impact of this variant on DNM2 protein function. In summary, the available evidence is currently insufficient to determine the role of this variant in disease. Therefore, it has been classified as a Variant of Uncertain Significance.